The following is an entry in ClinVar:

ClinVar aggregate classification (germline): Uncertain significance (1 of 4 stars; one submission).

Submission:

Labcorp Genetics (formerly Invitae), Labcorp
Classification: Uncertain significance. Last evaluated: 2024-10-31. Review status: criteria provided, single submitter. Criteria: Invitae Variant Classification Sherloc (09022015). Collection method: clinical testing. Allele origin: germline.
Comment: This sequence change replaces histidine, which is basic and polar, with arginine, which is basic and polar, at codon 4889 of the PCLO protein (p.His4889Arg). This variant is not present in population databases (gnomAD no frequency). This variant has not been reported in the literature in individuals affected with PCLO-related conditions. Experimental studies and prediction algorithms are not available or were not evaluated, and the functional significance of this variant is currently unknown. In summary, the available evidence is currently insufficient to determine the role of this variant in disease. Therefore, it has been classified as a Variant of Uncertain Significance.

NM_033026.6(PCLO):c.14666A>G (p.His4889Arg)

Gene: PCLO (piccolo presynaptic cytomatrix protein; minus strand). Cytogenetic location: 7q21.11.
Variant type: single nucleotide variant.
Coding change: c.14666A>G on transcript NM_033026.6 (MANE Select); coding-DNA position 14666, A replaced by G.
Protein change: p.His4889Arg; replaces histidine 4889 with arginine.
Molecular consequence: missense variant.
Genome position (GRCh38, 1-based): chr7:82,822,620, T>C on the plus strand (A>G on the coding strand, the complement: PCLO is on the minus strand). VCF-style: chr7-82822620-T-C. GRCh37 (hg19) VCF-style: chr7-82451936-T-C.
Other names: c.14666A>G, p.His4889Arg (NM_014510.3); short protein forms H4889R.
Identifiers: ClinVar variation 3679306 (VCV003679306.2).